The following is an entry in ClinVar:

NM_182961.4(SYNE1):c.24827C>G (p.Ala8276Gly)

Gene: SYNE1 (spectrin repeat containing nuclear envelope protein 1; minus strand). Cytogenetic location: 6q25.2.
Variant type: single nucleotide variant.
Coding change: c.24827C>G on transcript NM_182961.4 (MANE Select); coding-DNA position 24827, C replaced by G.
Protein change: p.Ala8276Gly; replaces alanine 8276 with glycine.
Molecular consequence: missense variant.
Genome position (GRCh38, 1-based): chr6:152,148,194, G>C on the plus strand (C>G on the coding strand, the complement: SYNE1 is on the minus strand). VCF-style: chr6-152148194-G-C. GRCh37 (hg19) VCF-style: chr6-152469329-G-C.
Other names: c.1433C>G, p.Ala478Gly (NM_001347701.2); c.1292C>G, p.Ala431Gly (NM_001347702.2); c.24614C>G, p.Ala8205Gly (NM_033071.5); short protein forms A8205G, A8276G, A431G, A478G.
Identifiers: ClinVar variation 194305 (VCV000194305.48), dbSNP rs142985368, ClinGen allele CA240210.

ClinVar aggregate classification (germline): Conflicting classifications of pathogenicity. Review status: criteria provided, conflicting classifications (1 of 4 stars). 7 submissions from 6 submitters: Uncertain significance (1); Benign (3); Likely benign (3). Last evaluated 2026-01-20.

Conditions:
Autosomal recessive ataxia, Beauce type. Also called: ATAXIA, RECESSIVE, OF BEAUCE; Spinocerebellar ataxia, autosomal recessive 8; SYNE1 Deficiency; SYNE1-Related Autosomal Recessive Cerebellar Ataxia. Identifiers: Orphanet 88644, MedGen C1853116, MONDO:0012549, OMIM 610743.
Emery-Dreifuss muscular dystrophy 4, autosomal dominant (EDMD4). Also called: EMERY-DREIFUSS MUSCULAR DYSTROPHY 4 WITH VARIABLE FEATURES. Identifiers: Orphanet 261, MedGen C2751807, MONDO:0013071, OMIM 612998.

Allele frequency attached by ClinVar (database versions not stated): ESP Exome Variant Server 0.00038; gnomAD 0.00049 and 0.00051; ExAC 0.00060; TOPMed 0.00062; gnomAD exomes 0.00083.

Submissions (7):

Labcorp Genetics (formerly Invitae), Labcorp
Classification: Benign for Emery-Dreifuss muscular dystrophy 4, autosomal dominant; Autosomal recessive ataxia, Beauce type. Last evaluated: 2026-01-20. Review status: criteria provided, single submitter. Criteria: Invitae Variant Classification Sherloc (09022015). Collection method: clinical testing. Allele origin: germline.

Athena Diagnostics
Classification: Benign. Last evaluated: 2025-04-03. Review status: criteria provided, single submitter. Criteria: Athena Diagnostics Criteria. Collection method: clinical testing. Allele origin: unknown.
Comment: The frequency of this variant in the general population is higher than would generally be expected for pathogenic variants in this gene.

CeGaT Center for Human Genetics Tuebingen
Classification: Likely benign. Last evaluated: 2024-12-01. Review status: criteria provided, single submitter. Criteria: CeGaT Center For Human Genetics Tuebingen Variant Classification Criteria Version 2. Collection method: clinical testing. Allele origin: germline. Affected: yes. Observed: 4 variant alleles.
Comment: SYNE1: BS1

GeneDx
Classification: Likely benign. Last evaluated: 2020-09-04. Review status: criteria provided, single submitter. Criteria: GeneDx Variant Classification Process June 2021. Collection method: clinical testing. Allele origin: germline. Affected: yes.

Illumina Laboratory Services, Illumina
Classification: Uncertain significance for Autosomal recessive ataxia, Beauce type. Last evaluated: 2018-01-13. Review status: criteria provided, single submitter. Criteria: ICSL Variant Classification Criteria 13 December 2019. Collection method: clinical testing. Allele origin: germline.

Illumina Laboratory Services, Illumina
Classification: Benign for Emery-Dreifuss muscular dystrophy 4, autosomal dominant. Last evaluated: 2018-01-13. Review status: criteria provided, single submitter. Criteria: ICSL Variant Classification Criteria 13 December 2019. Collection method: clinical testing. Allele origin: germline.
Comment: This variant was observed in the ICSL laboratory as part of a predisposition screen in an ostensibly healthy population. It had not been previously curated by ICSL or reported in the Human Gene Mutation Database (HGMD: prior to June 1st, 2018), and was therefore a candidate for classification through an automated scoring system. Utilizing variant allele frequency, disease prevalence and penetrance estimates, and inheritance mode, an automated score was calculated to assess if this variant is too frequent to cause the disease. Based on the score and internal cut-off values, a variant classified as benign is not then subjected to further curation. The score for this variant resulted in a classification of benign for this disease.

Eurofins Ntd Llc (ga)
Classification: Likely benign. Last evaluated: 2017-02-28. Review status: criteria provided, single submitter. Criteria: EGL Classification Definitions 2015. Collection method: clinical testing. Allele origin: germline. Observed: 9 variant alleles, 9 heterozygotes.